The following is an entry in ClinVar:

ClinVar aggregate classification (germline): Uncertain significance. Review status: criteria provided, multiple submitters, no conflicts (2 of 4 stars). 2 submissions from 2 submitters: Uncertain significance (2). Last evaluated 2022-03-16.

Conditions:
Neuromuscular disease caused by qualitative or quantitative defects of dysferlin. Also called: Dysferlinopathy; Qualitative or quantitative defects of dysferlin. Identifiers: Orphanet 207073, MedGen C2931687, MONDO:0016145.

Allele frequency attached by ClinVar (database versions not stated): TOPMed below 0.00001; ExAC 0.00001; gnomAD exomes 0.00001 and 0.00002.
gnomAD v4.1: 5 of 1,613,436 alleles (0.00031%); highest among the groups gnomAD compares: Admixed American, 0.0083%; no homozygotes.

Submissions (2):

Labcorp Genetics (formerly Invitae), Labcorp
Classification: Uncertain significance for Neuromuscular disease caused by qualitative or quantitative defects of dysferlin. Last evaluated: 2022-03-16. Review status: criteria provided, single submitter. Criteria: Invitae Variant Classification Sherloc (09022015). Collection method: clinical testing. Allele origin: germline.
Comment: In summary, the available evidence is currently insufficient to determine the role of this variant in disease. Therefore, it has been classified as a Variant of Uncertain Significance. Advanced modeling of protein sequence and biophysical properties (such as structural, functional, and spatial information, amino acid conservation, physicochemical variation, residue mobility, and thermodynamic stability) performed at Invitae indicates that this missense variant is expected to disrupt DYSF protein function. ClinVar contains an entry for this variant (Variation ID: 500728). This variant has not been reported in the literature in individuals affected with DYSF-related conditions. This variant is present in population databases (rs750397218, gnomAD 0.01%). This sequence change replaces valine, which is neutral and non-polar, with glycine, which is neutral and non-polar, at codon 1226 of the DYSF protein (p.Val1226Gly).

Eurofins Ntd Llc (ga)
Classification: Uncertain significance. Last evaluated: 2017-03-08. Review status: criteria provided, single submitter. Criteria: EGL Classification Definitions 2015. Collection method: clinical testing. Allele origin: germline. Observed: 1 variant allele, 1 heterozygote.

NM_001130987.2(DYSF):c.3731T>G (p.Val1244Gly)

Gene: DYSF (dysferlin; plus strand). Cytogenetic location: 2p13.2.
Variant type: single nucleotide variant.
Coding change: c.3731T>G on transcript NM_001130987.2 (MANE Select); coding-DNA position 3731, T replaced by G.
Protein change: p.Val1244Gly; replaces valine 1244 with glycine.
Molecular consequence: missense variant.
Genome position (GRCh38, 1-based): chr2:71,598,720, T>G. VCF-style: chr2-71598720-T-G. GRCh37 (hg19) VCF-style: chr2-71825850-T-G.
Other names: c.3680T>G, p.Val1227Gly (NM_001130455.2, NM_001130983.2); c.3635T>G, p.Val1212Gly (NM_001130976.2, NM_001130977.2); c.3677T>G, p.Val1226Gly (NM_001130978.2, NM_003494.4); c.3770T>G, p.Val1257Gly (NM_001130979.2); c.3728T>G, p.Val1243Gly (NM_001130980.2, NM_001130981.2); c.3773T>G, p.Val1258Gly (NM_001130982.2); c.3638T>G, p.Val1213Gly (NM_001130984.2, NM_001130986.2); c.3731T>G, p.Val1244Gly (NM_001130985.2); short protein forms V1226G, V1244G, V1227G, V1243G, V1257G, V1213G, V1212G, V1258G.
Identifiers: ClinVar variation 500728 (VCV000500728.7), dbSNP rs750397218, ClinGen allele CA1706675.